The following is an entry in ClinVar:

ClinVar aggregate classification (germline): Uncertain significance. Review status: criteria provided, single submitter (1 of 4 stars). 2 submissions from 2 submitters: Uncertain significance (1). 1 of the submissions does not count toward it. Last evaluated 2025-11-05.

Conditions:
SEMA3F-related disorder. Also called: SEMA3F-related condition.

gnomAD v4.1: 42 of 1,596,850 alleles (0.0026%); highest among the groups gnomAD compares: Non-Finnish European, 0.0033%; no homozygotes.

Submissions (2):

Ambry Genetics
Classification: Uncertain significance. Last evaluated: 2025-11-05. Review status: criteria provided, single submitter. Criteria: Ambry Variant Classification Scheme 2023. Collection method: clinical testing. Allele origin: germline.

PreventionGenetics, part of Exact Sciences
Classification: Uncertain significance for SEMA3F-related condition. Last evaluated: 2024-07-07. Review status: no assertion criteria provided. Collection method: clinical testing. Allele origin: germline. Not counted in ClinVar's aggregate classification.
Comment: The SEMA3F c.1828G>A variant is predicted to result in the amino acid substitution p.Val610Met. To our knowledge, this variant has not been reported in the literature. This variant is reported in 0.0053% of alleles in individuals of European (Non-Finnish) descent in gnomAD. At this time, the clinical significance of this variant is uncertain due to the absence of conclusive functional and genetic evidence.

NM_004186.5(SEMA3F):c.1828G>A (p.Val610Met)

Gene: SEMA3F (semaphorin 3F; plus strand). Cytogenetic location: 3p21.31.
Variant type: single nucleotide variant.
Coding change: c.1828G>A on transcript NM_004186.5 (MANE Select); coding-DNA position 1828, G replaced by A.
Protein change: p.Val610Met; replaces valine 610 with methionine.
Molecular consequence: missense variant.
Genome position (GRCh38, 1-based): chr3:50,186,627, G>A. VCF-style: chr3-50186627-G-A. GRCh37 (hg19) VCF-style: chr3-50224060-G-A.
Other names: c.1531G>A, p.Val511Met (NM_001318798.2); c.1735G>A, p.Val579Met (NM_001318800.2); c.1828G>A (NM_004186.3); short protein forms V511M, V579M, V610M.
Identifiers: ClinVar variation 3350251 (VCV003350251.2).
Genomic context (GRCh38, chr3:50,186,627, plus strand): 5'-TGCCCGGAGGTGATGCTGCTTTTGCTCAACCCCTCTCACTCTAAAGCCAACAAGAATGCC[G>A]TGGAGTCTGTGCAGTATGGCGTGGCCGGCAGCGCAGCCTTCCTTGAGTGCCAGCCCCGCT-3'
Protein context (NP_004177.3, residues 600-620): GFNSNANKNA[Val610Met]ESVQYGVAGS